The following is an entry in ClinVar:

NM_000059.4(BRCA2):c.6796A>G (p.Asn2266Asp)

Gene: BRCA2 (BRCA2 DNA repair associated; plus strand). Cytogenetic location: 13q13.1.
Variant type: single nucleotide variant.
Coding change: c.6796A>G on transcript NM_000059.4 (MANE Select); coding-DNA position 6796, A replaced by G.
Protein change: p.Asn2266Asp; replaces asparagine 2266 with aspartic acid.
Molecular consequence: missense variant. On other transcripts: non-coding transcript variant (1), intron variant (2).
Genome position (GRCh38, 1-based): chr13:32,341,151, A>G. VCF-style: chr13-32341151-A-G. GRCh37 (hg19) VCF-style: chr13-32915288-A-G.
Other names: c.6796A>G, p.Asn2266Asp (NM_001406719.1, NM_001406720.1); c.1910-3407A>G (NM_001406721.1); c.425-3407A>G (NM_001406722.1); short protein forms N2266D.
Identifiers: ClinVar variation 2743839 (VCV002743839.4), dbSNP rs80358905, ClinGen allele CA387791332.

ClinVar aggregate classification (germline): Uncertain significance. Review status: criteria provided, multiple submitters, no conflicts (2 of 4 stars). 2 submissions from 2 submitters: Uncertain significance (2). Last evaluated 2025-04-30.

Conditions:
Hereditary cancer-predisposing syndrome. Also called: Hereditary Cancer Syndrome; Neoplastic Syndromes, Hereditary; Tumor predisposition; Hereditary neoplastic syndrome. Identifiers: Orphanet 140162, MedGen C0027672, MeSH D009386, MONDO:0015356.
Hereditary breast ovarian cancer syndrome. Also called: BRCA1- and BRCA2-Associated Hereditary Breast and Ovarian Cancer; Breast and ovarian cancer; Hereditary breast and/or ovarian cancer syndrome; Hereditary breast and ovarian cancer; Hereditary breast and ovarian cancer syndrome (HBOC); Hereditary breast and ovarian cancer syndrome. Identifiers: Orphanet 145, MedGen C0677776, MeSH D061325, MONDO:0003582. Disease mechanism: loss of function.

Submissions (2):

Ambry Genetics
Classification: Uncertain significance for Hereditary cancer-predisposing syndrome. Last evaluated: 2025-04-30. Review status: criteria provided, single submitter. Criteria: Ambry Variant Classification Scheme 2023. Collection method: clinical testing. Allele origin: germline.
Comment: The p.N2266D variant (also known as c.6796A>G), located in coding exon 10 of the BRCA2 gene, results from an A to G substitution at nucleotide position 6796. The asparagine at codon 2266 is replaced by aspartic acid, an amino acid with highly similar properties. This amino acid position is well conserved in available vertebrate species. In addition, the in silico prediction for this alteration is inconclusive. Based on the available evidence, the clinical significance of this variant remains unclear.

Labcorp Genetics (formerly Invitae), Labcorp
Classification: Uncertain significance for Hereditary breast ovarian cancer syndrome. Last evaluated: 2024-10-28. Review status: criteria provided, single submitter. Criteria: Invitae Variant Classification Sherloc (09022015). Collection method: clinical testing. Allele origin: germline.
Comment: This sequence change replaces asparagine, which is neutral and polar, with aspartic acid, which is acidic and polar, at codon 2266 of the BRCA2 protein (p.Asn2266Asp). This variant is not present in population databases (gnomAD no frequency). This variant has not been reported in the literature in individuals affected with BRCA2-related conditions. Invitae Evidence Modeling of protein sequence and biophysical properties (such as structural, functional, and spatial information, amino acid conservation, physicochemical variation, residue mobility, and thermodynamic stability) indicates that this missense variant is not expected to disrupt BRCA2 protein function with a negative predictive value of 95%. In summary, the available evidence is currently insufficient to determine the role of this variant in disease. Therefore, it has been classified as a Variant of Uncertain Significance.